The following is an entry in ClinVar:

NM_000844.4(GRM7):c.718C>A (p.Gln240Lys)

Gene: GRM7 (glutamate metabotropic receptor 7; plus strand). Cytogenetic location: 3p26.1.
Variant type: single nucleotide variant.
Coding change: c.718C>A on transcript NM_000844.4 (MANE Select); coding-DNA position 718, C replaced by A.
Protein change: p.Gln240Lys; replaces glutamine 240 with lysine.
Molecular consequence: missense variant.
Genome position (GRCh38, 1-based): chr3:7,146,650, C>A. VCF-style: chr3-7146650-C-A. GRCh37 (hg19) VCF-style: chr3-7188337-C-A.
Other names: c.718C>A, p.Gln240Lys (NM_181874.3); short protein forms Q240K.
Identifiers: ClinVar variation 1932491 (VCV001932491.4), dbSNP rs1002646614, ClinGen allele CA70107658.

ClinVar aggregate classification (germline): Uncertain significance (1 of 4 stars; one submission).

Allele frequency attached by ClinVar (database versions not stated): gnomAD 0.00001.
gnomAD v4.1: 3 of 1,612,486 alleles (0.00019%); highest among the groups gnomAD compares: Admixed American, 0.0017%; no homozygotes.

Submission:

Labcorp Genetics (formerly Invitae), Labcorp
Classification: Uncertain significance. Last evaluated: 2024-12-16. Review status: criteria provided, single submitter. Criteria: Invitae Variant Classification Sherloc (09022015). Collection method: clinical testing. Allele origin: germline.
Comment: This sequence change replaces glutamine, which is neutral and polar, with lysine, which is basic and polar, at codon 240 of the GRM7 protein (p.Gln240Lys). This variant is not present in population databases (gnomAD no frequency). This variant has not been reported in the literature in individuals affected with GRM7-related conditions. ClinVar contains an entry for this variant (Variation ID: 1932491). Invitae Evidence Modeling of protein sequence and biophysical properties (such as structural, functional, and spatial information, amino acid conservation, physicochemical variation, residue mobility, and thermodynamic stability) indicates that this missense variant is not expected to disrupt GRM7 protein function with a negative predictive value of 80%. In summary, the available evidence is currently insufficient to determine the role of this variant in disease. Therefore, it has been classified as a Variant of Uncertain Significance.